The following is an entry in ClinVar:

ClinVar aggregate classification (germline): Pathogenic. Review status: criteria provided, multiple submitters, no conflicts (2 of 4 stars). 3 submissions from 3 submitters: Pathogenic (3). Last evaluated 2025-10-01.

Conditions:
Amyotrophic lateral sclerosis type 5 (ALS5). Also called: AMYOTROPHIC LATERAL SCLEROSIS 5, JUVENILE. Identifiers: Orphanet 300605, MedGen C1865864, MONDO:0011196, OMIM 602099.
Charcot-Marie-Tooth disease axonal type 2X. Also called: CHARCOT-MARIE-TOOTH DISEASE, AXONAL, AUTOSOMAL RECESSIVE, TYPE 2X; CHARCOT-MARIE-TOOTH NEUROPATHY, TYPE 2X. Identifiers: Orphanet 466775, MedGen C5569024, MONDO:0014726, OMIM 616668.
Hereditary spastic paraplegia 11. Also called: Nakamura Osame syndrome; Autosomal recessive hereditary spastic paraplegia, mental impairment, and thin corpus callosum; Spastic paraplegia, mental retardation and thin corpus callosum; Spastic Paraplegia 11; SPASTIC PARAPLEGIA, AUTOSOMAL RECESSIVE, COMPLICATED, WITH THIN CORPUS CALLOSUM; SPASTIC PARAPLEGIA, AUTOSOMAL RECESSIVE, WITH MENTAL IMPAIRMENT AND THIN CORPUS CALLOSUM. Identifiers: Orphanet 2822, MedGen C1858479, MONDO:0011445, OMIM 604360.

Submissions (3):

Victorian Clinical Genetics Services, Murdoch Childrens Research Institute
Classification: Pathogenic for Hereditary spastic paraplegia 11. Last evaluated: 2025-10-01. Review status: criteria provided, single submitter. Criteria: ACMG Guidelines, 2015. Collection method: clinical testing. Allele origin: germline.
Comment: This variant is classified as Pathogenic. Evidence in support of pathogenic classification: Variant is predicted to cause nonsense-mediated decay (NMD) and loss of protein (premature termination codon is located at least 54 nucleotides upstream of the final exon-exon junction); Variant is absent from gnomAD (v2, v3 and v4); This variant has moderate previous evidence of pathogenicity in unrelated individuals. This variant has been reported pathogenic by a clinical laboratory in ClinVar, and has been reported in individuals with hereditary spastic paraplegia (PMIDs: 35906604, 36923789, 29895855); Other NMD predicted variant(s) comparable to the one identified in this case have very strong previous evidence for pathogenicity (DECIPHER). Additional information: This variant is heterozygous; This gene is associated with autosomal recessive disease; Loss of function is a known mechanism of disease in this gene and is associated with hereditary spastic paraplegia 11 (MONDO:0011445).

Labcorp Genetics (formerly Invitae), Labcorp
Classification: Pathogenic for Hereditary spastic paraplegia 11. Last evaluated: 2016-06-26. Review status: criteria provided, single submitter. Criteria: Invitae Variant Classification Sherloc (09022015). Collection method: clinical testing. Allele origin: germline.
Comment: For these reasons, this variant has been classified as Pathogenic. While this particular variant has not been reported in the literature, truncating variants in SPG11 are known to be pathogenic (PMID: 18079167). This sequence change creates a premature translational stop signal at codon 997 (p.Leu997*) of the SPG11 gene. It is expected to result in an absent or disrupted protein product.

Juno Genomics, Hangzhou Juno Genomics, Inc
Classification: Pathogenic for Amyotrophic lateral sclerosis type 5; Charcot-Marie-Tooth disease axonal type 2X; Hereditary spastic paraplegia 11. Review status: criteria provided, single submitter. Criteria: ACMG Guidelines, 2015. Collection method: clinical testing. Allele origin: germline.
Comment: Absent from controls (or at extremely low frequency if recessive) in Genome Aggregation Database.;Null variant in a gene where loss of function (LOF) is a known mechanism of disease.;For recessive disorders, detected in trans with a pathogenic variant.

Literature cited by the submitters: PubMed 36923789 (cited by Victorian Clinical Genetics Services, Murdoch Childrens Research Institute); PubMed 29895855 (cited by Victorian Clinical Genetics Services, Murdoch Childrens Research Institute); PubMed 35906604 (cited by Victorian Clinical Genetics Services, Murdoch Childrens Research Institute); PubMed 18079167 (cited by Labcorp Genetics (formerly Invitae), Labcorp).

NM_025137.4(SPG11):c.2990T>A (p.Leu997Ter)

Gene: SPG11 (SPG11 vesicle trafficking associated, spatacsin; minus strand). Cytogenetic location: 15q21.1.
Variant type: single nucleotide variant.
Coding change: c.2990T>A on transcript NM_025137.4 (MANE Select); coding-DNA position 2990, T replaced by A.
Protein change: p.Leu997Ter; replaces leucine 997 with a stop codon.
Molecular consequence: nonsense.
Genome position (GRCh38, 1-based): chr15:44,615,411, A>T on the plus strand (T>A on the coding strand, the complement: SPG11 is on the minus strand). VCF-style: chr15-44615411-A-T. GRCh37 (hg19) VCF-style: chr15-44907609-A-T.
Other names: c.2990T>A, p.Leu997Ter (NM_001160227.2); short protein forms L997*.
Identifiers: ClinVar variation 406526 (VCV000406526.10), dbSNP rs1060501176, ClinGen allele CA16614460.
Genomic context (GRCh38, chr15:44,615,411, plus strand): 5'-CTCAGTACTCACTTGTAACAGTCAAGGTAGACATAAAGAAGATGCTGCAGACTGTGCTCC[A>T]AACAATAGAGAATGAATTGAGAATGGAAATCCCAACCTTCTTTGGTCTTGTAGTTTTGAA-3'